The following is an entry in ClinVar:

NM_024312.5(GNPTAB):c.2737C>T (p.Gln913Ter)

Gene: GNPTAB (N-acetylglucosamine-1-phosphate transferase subunits alpha and beta; minus strand). Cytogenetic location: 12q23.2.
Variant type: single nucleotide variant.
Coding change: c.2737C>T on transcript NM_024312.5 (MANE Select); coding-DNA position 2737, C replaced by T.
Protein change: p.Gln913Ter; replaces glutamine 913 with a stop codon.
Molecular consequence: nonsense.
Genome position (GRCh38, 1-based): chr12:101,761,742, G>A on the plus strand (C>T on the coding strand, the complement: GNPTAB is on the minus strand). VCF-style: chr12-101761742-G-A. GRCh37 (hg19) VCF-style: chr12-102155520-G-A.
Other names: short protein forms Q913*.
Identifiers: ClinVar variation 2949707 (VCV002949707.3), dbSNP rs2547955024, ClinGen allele CA386296474.

ClinVar aggregate classification (germline): Pathogenic (1 of 4 stars; one submission).

Conditions:
Mucolipidosis type II. Also called: ML II ALPHA/BETA; Mucolipidosis 2; ML 2; Inclusion cell disease; Leroy Disease; N-acetylglucosamine 1phosphotransferase deficiency. Identifiers: Orphanet 576, MedGen C2673377, MONDO:0009650, OMIM 252500.
Pseudo-Hurler polydystrophy. Also called: ML III; ML III ALPHA/BETA; Type III Mucolipidosis; ML IIIA; Mucolipidosis III Alpha/Beta; MUCOLIPIDOSIS IIIA. Identifiers: Orphanet 423461, Orphanet 577, MedGen C0033788, MONDO:0018931, OMIM 252600.

Submission:

Labcorp Genetics (formerly Invitae), Labcorp
Classification: Pathogenic for Pseudo-Hurler polydystrophy; Mucolipidosis type II. Last evaluated: 2023-07-09. Review status: criteria provided, single submitter. Criteria: Invitae Variant Classification Sherloc (09022015). Collection method: clinical testing. Allele origin: germline.
Comment: For these reasons, this variant has been classified as Pathogenic. This variant has not been reported in the literature in individuals affected with GNPTAB-related conditions. This variant is not present in population databases (gnomAD no frequency). This sequence change creates a premature translational stop signal (p.Gln913*) in the GNPTAB gene. It is expected to result in an absent or disrupted protein product. Loss-of-function variants in GNPTAB are known to be pathogenic (PMID: 19617216, 25107912).

Literature cited by the submitters: PubMed 19617216; PubMed 25107912.